The following is an entry in ClinVar:

NM_000128.4(F11):c.325G>A (p.Ala109Thr)

Gene: F11 (coagulation factor XI; plus strand). Cytogenetic location: 4q35.2.
Variant type: single nucleotide variant.
Coding change: c.325G>A on transcript NM_000128.4 (MANE Select); coding-DNA position 325, G replaced by A.
Protein change: p.Ala109Thr; replaces alanine 109 with threonine.
Molecular consequence: missense variant.
Genome position (GRCh38, 1-based): chr4:186,273,177, G>A. VCF-style: chr4-186273177-G-A. GRCh37 (hg19) VCF-style: chr4-187194331-G-A.
Other names: p.Ala109Thr; c.325G>A, p.Ala109Thr (NM_001354804.2); short protein forms A109T.
Identifiers: ClinVar variation 188810 (VCV000188810.21), dbSNP rs768474112, ClinGen allele CA199066.

ClinVar aggregate classification (germline): Pathogenic. Review status: criteria provided, multiple submitters, no conflicts (2 of 4 stars). 7 submissions from 7 submitters: Pathogenic (6). 1 of the submissions does not count toward it. Last evaluated 2026-07-23.

Conditions:
Plasma factor XI deficiency.
Hereditary factor XI deficiency disease. Also called: Congenital factor XI deficiency; PLASMA THROMBOPLASTIN ANTECEDENT DEFICIENCY; PTA DEFICIENCY; ROSENTHAL SYNDROME. Identifiers: Orphanet 329, MedGen C0015523, MeSH D005173, MONDO:0012897, OMIM 612416.

Allele frequency attached by ClinVar (database versions not stated): gnomAD exomes 0.00001 and 0.00002; gnomAD 0.00002 and 0.00003; TOPMed 0.00002; ExAC 0.00003.
gnomAD v4.1: 13 of 1,607,398 alleles (0.00081%); highest among the groups gnomAD compares: South Asian, 0.0044%; no homozygotes.

Submissions (8):

Institute of Human Genetics, University of Leipzig Medical Center
Classification: Pathogenic for Hereditary factor XI deficiency disease. Last evaluated: 2026-07-23. Review status: criteria provided, single submitter. Criteria: ACMG Guidelines, 2015. Collection method: clinical testing. Allele origin: unknown. Inheritance: Autosomal dominant inheritance. Affected: yes.
Comment: Criteria applied: PVS1,PS4_SUP,PM2_SUP,PP1,PP2

Dasa
Classification: Pathogenic. Last evaluated: 2026-03-27. Review status: criteria provided, single submitter. Criteria: DASA Assertion Criteria. Collection method: clinical testing. Allele origin: germline.
Comment: NM_000128.4(F11):c.325G>A (p.Ala109Thr) results in an alanine-to-threonine substitution. Functional studies demonstrate a deleterious effect on mRNA and protein function (PMID: 18327400). The variant has been observed in individuals with factor XI deficiency in trans with another pathogenic variant (PMID: 18515884, 25158988) and is present at low frequency in population datasets. Based on the available data, this variant is classified as pathogenic.

Natera, Inc.
Classification: Pathogenic for Plasma factor XI deficiency. Last evaluated: 2026-01-14. Review status: criteria provided, single submitter. Criteria: Natera Variant Classification Schema (03/2026). Collection method: clinical testing. Allele origin: germline.
Comment: The c.325G>A variant in F11 is a missense variant predicted to cause substitution of alanine to threonine at amino acid 109. This variant is rare in the general population with a frequency below the threshold expected for the associated phenotype(s). This variant has been observed in one or more individuals affected with the associated recessive disease, as either homozygous or compound heterozygous with a second variant (PMID: 16835901, 18515884, 25158988, 29138690). This variant has been observed in affected individual(s) with monoallelic occurrence (heterozygous/hemizygous) (PMID: 18327400, 29367083). Additionally, this variant has been observed to segregate in affected family members (PMID: 18327400). Functional studies show that this variant may disrupt protein function (PMID: 18327400). Given the available evidence, this variant is classified as Pathogenic.

Labcorp Genetics (formerly Invitae), Labcorp
Classification: Pathogenic. Last evaluated: 2025-10-26. Review status: criteria provided, single submitter. Criteria: Invitae Variant Classification Sherloc (09022015). Collection method: clinical testing. Allele origin: germline.
Comment: This sequence change affects codon 109 of the F11 mRNA. It is a 'silent' change, meaning that it does not change the encoded amino acid sequence of the F11 protein. This variant also falls at the last nucleotide of exon 4, which is part of the consensus splice site for this exon. This variant is present in population databases (rs768474112, gnomAD 0.006%). This variant has been observed in individual(s) with factor XI deficiency (PMID: 18515884, 25158988). In at least one individual the data is consistent with being in trans (on the opposite chromosome) from a pathogenic variant. This variant is also known as Ala91Thr. ClinVar contains an entry for this variant (Variation ID: 188810). An algorithm developed to predict the effect of missense changes on protein structure and function (PolyPhen-2) suggests that this variant is likely to be tolerated. Variants that disrupt the consensus splice site are a relatively common cause of aberrant splicing (PMID: 17576681, 9536098). Studies have shown that this variant alters mRNA splicing and is expected to lead to the loss of protein expression (PMID: 18327400). For these reasons, this variant has been classified as Pathogenic.

Mayo Clinic Laboratories, Mayo Clinic
Classification: Pathogenic. Last evaluated: 2022-05-27. Review status: criteria provided, single submitter. Criteria: ACMG Guidelines, 2015. Collection method: clinical testing. Allele origin: germline. Observed: 1 variant allele.
Comment: PP1_strong, PM2, PM3, PS3

Neuberg Centre For Genomic Medicine, NCGM
Classification: Pathogenic for Hereditary factor XI deficiency disease. Review status: criteria provided, single submitter. Criteria: ACMG Guidelines, 2015. Collection method: clinical testing. Allele origin: germline. Inheritance: Autosomal recessive inheritance. Affected: yes.
Comment: The missense variant in c.325G>A (p.Ala109Thr) in F11 gene has been reported previously in individual(s) in homozygous state with factor XI (FXI) deficiency (Guella I et al). In at least one individual the data is consistent with the variant being in trans (on the opposite chromosome) from a pathogenic variant. Previously, Guella I et al. reported a heterozygous p.A109T mutation in an Italian family with FXI deficiency. Heterozygosity moderately decreases the activity of FXI (VS Hançer et al). The p.Ala109Thr variant is reported with the allele frequency of 0.002123% in gnomAD database and is novel (not in any individuals) in 1000 Genomes. The amino acid Ala at position 109 is changed to a Thr changing protein sequence and it might alter its composition and physicochemical properties. This variant has been reported to the ClinVar database as conflicting - pathogenic/ likely pathogenic/ uncertain significance. Nucleotide substitutions within the consensus splice site are a relatively common cause of aberrant splicing (Buratti E et al). Experimental studies have shown that this variant disrupts mRNA splicing (Guella I et al). The variant is predicted to be damaging by SIFT and the residue is conserved across species. The amino acid change p.Ala109Thr in F11 is predicted as conserved by GERP++ and PhyloP across 100 vertebrates. For these reasons, this variant has been classified as Pathogenic. In the absence of another reportable variant the molecular diagnosis is not confirmed.

Counsyl
Classification: Likely pathogenic for Hereditary factor XI deficiency disease. Last evaluated: 2014-05-31. Review status: no assertion criteria provided. Collection method: literature only. Allele origin: unknown. Inheritance: Autosomal recessive inheritance. Not counted in ClinVar's aggregate classification.

Dr. Peter K. Rogan Lab, Western University
No classification provided (evidence only). Condition: Nonpapillary renal cell carcinoma. Review status: no classification provided. Collection method: in vitro. Allele origin: not applicable. Functional consequence: skipped exon. Not counted in ClinVar's aggregate classification.

Literature cited by the submitters: PubMed 18327400 (cited by 4 submitters); PubMed 18515884 (cited by 4 submitters); PubMed 25158988 (cited by 3 submitters); PubMed 16835901 (cited by Natera, Inc. and Counsyl); PubMed 29138690 (cited by Natera, Inc.); PubMed 29367083 (cited by Natera, Inc.); PubMed 17576681 (cited by Labcorp Genetics (formerly Invitae), Labcorp); PubMed 9536098 (cited by Labcorp Genetics (formerly Invitae), Labcorp); PubMed 18446632 (cited by Counsyl); PubMed 21824284 (cited by Counsyl).